The following is an entry in ClinVar:

NM_198253.3(TERT):c.1958G>T (p.Arg653Leu)

Gene: TERT (telomerase reverse transcriptase; minus strand). Cytogenetic location: 5p15.33.
Variant type: single nucleotide variant.
Coding change: c.1958G>T on transcript NM_198253.3 (MANE Select); coding-DNA position 1958, G replaced by T.
Protein change: p.Arg653Leu; replaces arginine 653 with leucine.
Molecular consequence: missense variant. On other transcripts: non-coding transcript variant (2).
Genome position (GRCh38, 1-based): chr5:1,279,463, C>A on the plus strand (G>T on the coding strand, the complement: TERT is on the minus strand). VCF-style: chr5-1279463-C-A. GRCh37 (hg19) VCF-style: chr5-1279578-C-A.
Other names: c.1958G>T, p.Arg653Leu (NM_001193376.3); short protein forms R653L.
Identifiers: ClinVar variation 5030646 (VCV005030646.1).

ClinVar aggregate classification (germline): Uncertain significance (1 of 4 stars; one submission).

Conditions:
Dyskeratosis congenita. Identifiers: Orphanet 1775, MedGen C0265965, MONDO:0015780.

Submission:

Ambry Genetics
Classification: Uncertain significance for Dyskeratosis congenita. Last evaluated: 2026-07-11. Review status: criteria provided, single submitter. Criteria: Ambry Variant Classification Scheme 2023. Collection method: clinical testing. Allele origin: germline.
Comment: The p.R653L variant (also known as c.1958G>T), located in coding exon 5 of the TERT gene, results from a G to T substitution at nucleotide position 1958. The arginine at codon 653 is replaced by leucine, an amino acid with dissimilar properties. This amino acid position is conserved. In addition, this alteration is predicted to be tolerated by in silico analysis. Based on the available evidence, the clinical significance of this variant remains unclear.